The following is an entry in ClinVar:

NM_199420.4(POLQ):c.7111C>A (p.Pro2371Thr)

Gene: POLQ (DNA polymerase theta; minus strand). Cytogenetic location: 3q13.33.
Variant type: single nucleotide variant.
Coding change: c.7111C>A on transcript NM_199420.4 (MANE Select); coding-DNA position 7111, C replaced by A.
Protein change: p.Pro2371Thr; replaces proline 2371 with threonine.
Molecular consequence: missense variant.
Genome position (GRCh38, 1-based): chr3:121,460,091, G>T on the plus strand (C>A on the coding strand, the complement: POLQ is on the minus strand). VCF-style: chr3-121460091-G-T. GRCh37 (hg19) VCF-style: chr3-121178938-G-T.
Other names: short protein forms P2371T.
Identifiers: ClinVar variation 1757226 (VCV001757226.3), dbSNP rs550897860, ClinGen allele CA81854432.
Genomic context (GRCh38, chr3:121,460,091, plus strand): 5'-CCATGTTCACTAAAATCACCTGTTTTGCCTGCTGCCTCAGATCATCCCCAACAGACTCTG[G>T]CTCAATCATCTTCCACTCTGCTGCAATGCTCCTGAAAACATCAGCTCCAGTGTTTAACAC-3'
Protein context (NP_955452.3, residues 2361-2381): SIAAEWKMIE[Pro2371Thr]ESVGDDLRQQ

ClinVar aggregate classification (germline): Uncertain significance (1 of 4 stars; one submission).

Allele frequency attached by ClinVar (database versions not stated): gnomAD exomes 0.00001.
gnomAD v4.1: 12 of 1,613,986 alleles (0.00074%); highest among the groups gnomAD compares: Non-Finnish European, 0.001%; no homozygotes.

Submission:

Ambry Genetics
Classification: Uncertain significance. Last evaluated: 2024-04-16. Review status: criteria provided, single submitter. Criteria: Ambry Variant Classification Scheme 2023. Collection method: clinical testing. Allele origin: germline.
Comment: The p.P2371T variant (also known as c.7111C>A), located in coding exon 25 of the POLQ gene, results from a C to A substitution at nucleotide position 7111. The proline at codon 2371 is replaced by threonine, an amino acid with highly similar properties. This amino acid position is conserved. In addition, the in silico prediction for this alteration is inconclusive. Since supporting evidence is limited at this time, the clinical significance of this alteration remains unclear.